The following is an entry in ClinVar:

NM_001277115.2(DNAH11):c.6005G>A (p.Arg2002Gln)

Gene: DNAH11 (dynein axonemal heavy chain 11; plus strand). Cytogenetic location: 7p15.3.
Variant type: single nucleotide variant.
Coding change: c.6005G>A on transcript NM_001277115.2 (MANE Select); coding-DNA position 6005, G replaced by A.
Protein change: p.Arg2002Gln; replaces arginine 2002 with glutamine.
Molecular consequence: missense variant.
Genome position (GRCh38, 1-based): chr7:21,690,845, G>A. VCF-style: chr7-21690845-G-A. GRCh37 (hg19) VCF-style: chr7-21730463-G-A.
Other names: short protein forms R2002Q.
Identifiers: ClinVar variation 1307161 (VCV001307161.7), dbSNP rs755849132, ClinGen allele CA4180634.

ClinVar aggregate classification (germline): Conflicting classifications of pathogenicity. Review status: criteria provided, conflicting classifications (1 of 4 stars). 3 submissions from 3 submitters: Uncertain significance (2); Likely benign (1). Last evaluated 2024-09-11.

Conditions:
Primary ciliary dyskinesia. Also called: Ciliary dyskinesia. Identifiers: Orphanet 244, MedGen C0008780, MONDO:0016575, HP:0012265.

Allele frequency attached by ClinVar (database versions not stated): gnomAD exomes 0.00001 and 0.00002; TOPMed 0.00001; ExAC 0.00002; gnomAD 0.00002.
gnomAD v4.1: 20 of 1,612,568 alleles (0.0012%); highest among the groups gnomAD compares: Admixed American, 0.01%; no homozygotes.

Submissions (3):

Labcorp Genetics (formerly Invitae), Labcorp
Classification: Likely benign for Primary ciliary dyskinesia. Last evaluated: 2024-09-11. Review status: criteria provided, single submitter. Criteria: Invitae Variant Classification Sherloc (09022015). Collection method: clinical testing. Allele origin: germline.

Ambry Genetics
Classification: Uncertain significance for Primary ciliary dyskinesia. Last evaluated: 2021-07-06. Review status: criteria provided, single submitter. Criteria: Ambry Variant Classification Scheme 2023. Collection method: clinical testing. Allele origin: germline.

GeneDx
Classification: Uncertain significance. Last evaluated: 2019-07-26. Review status: criteria provided, single submitter. Criteria: GeneDx Variant Classification Process June 2021. Collection method: clinical testing. Allele origin: germline. Affected: yes.
Comment: Has not been previously published as pathogenic or benign to our knowledge; In silico analysis, which includes protein predictors and evolutionary conservation, supports a deleterious effect; In-silico analysis, which includes splice predictors and evolutionary conservation, is inconclusive as to whether the variant alters gene splicing. In the absence of RNA/functional studies, the actual effect of this sequence change is unknown.